The following is an entry in ClinVar:

ClinVar aggregate classification (germline): Uncertain significance (1 of 4 stars; one submission).

Submission:

GeneDx
Classification: Uncertain significance. Last evaluated: 2025-08-06. Review status: criteria provided, single submitter. Criteria: GeneDx Variant Classification Process June 2021. Collection method: clinical testing. Allele origin: germline. Affected: yes.
Comment: Not observed at significant frequency in large population cohorts (gnomAD); In silico analysis supports that this missense variant has a deleterious effect on protein structure/function; Has not been previously published as pathogenic or benign to our knowledge

NM_005548.3(KARS1):c.1675A>G (p.Thr559Ala)

Gene: KARS1 (lysyl-tRNA synthetase 1; minus strand). Cytogenetic location: 16q23.1.
Variant type: single nucleotide variant.
Coding change: c.1675A>G on transcript NM_005548.3 (MANE Select); coding-DNA position 1675, A replaced by G.
Protein change: p.Thr559Ala; replaces threonine 559 with alanine.
Molecular consequence: missense variant.
Genome position (GRCh38, 1-based): chr16:75,628,589, T>C on the plus strand (A>G on the coding strand, the complement: KARS1 is on the minus strand). VCF-style: chr16-75628589-T-C. GRCh37 (hg19) VCF-style: chr16-75662487-T-C.
Other names: c.1759A>G, p.Thr587Ala (NM_001130089.2); c.1207A>G, p.Thr403Ala (NM_001378148.1); short protein forms T403A, T559A, T587A.
Identifiers: ClinVar variation 4756056 (VCV004756056.1).